The following is an entry in ClinVar:

ClinVar aggregate classification (germline): Uncertain significance (1 of 4 stars; one submission).

Allele frequency attached by ClinVar (database versions not stated): gnomAD exomes below 0.00001; TOPMed below 0.00001; gnomAD 0.00001.
gnomAD v4.1: 4 of 1,579,066 alleles (0.00025%); highest among the groups gnomAD compares: Admixed American, 0.0019%; no homozygotes.

Submission:

Labcorp Genetics (formerly Invitae), Labcorp
Classification: Uncertain significance. Last evaluated: 2022-07-28. Review status: criteria provided, single submitter. Criteria: Invitae Variant Classification Sherloc (09022015). Collection method: clinical testing. Allele origin: germline.
Comment: This sequence change replaces proline, which is neutral and non-polar, with serine, which is neutral and polar, at codon 4 of the EIF2B5 protein (p.Pro4Ser). This variant is not present in population databases (gnomAD no frequency). This variant has not been reported in the literature in individuals affected with EIF2B5-related conditions. Advanced modeling of protein sequence and biophysical properties (such as structural, functional, and spatial information, amino acid conservation, physicochemical variation, residue mobility, and thermodynamic stability) performed at Invitae indicates that this missense variant is not expected to disrupt EIF2B5 protein function. In summary, the available evidence is currently insufficient to determine the role of this variant in disease. Therefore, it has been classified as a Variant of Uncertain Significance.

NM_003907.3(EIF2B5):c.10C>T (p.Pro4Ser)

Gene: EIF2B5 (eukaryotic translation initiation factor 2B subunit epsilon; plus strand). Cytogenetic location: 3q27.1.
Variant type: single nucleotide variant.
Coding change: c.10C>T on transcript NM_003907.3 (MANE Select); coding-DNA position 10, C replaced by T.
Protein change: p.Pro4Ser; replaces proline 4 with serine.
Molecular consequence: missense variant.
Genome position (GRCh38, 1-based): chr3:184,135,395, C>T. VCF-style: chr3-184135395-C-T. GRCh37 (hg19) VCF-style: chr3-183853183-C-T.
Other names: short protein forms P4S.
Identifiers: ClinVar variation 2171898 (VCV002171898.1), dbSNP rs767998775, ClinGen allele CA2726301.